The following is an entry in ClinVar:

ClinVar aggregate classification (germline): Uncertain significance (1 of 4 stars; one submission).

Conditions:
Epilepsy, familial adult myoclonic, 5 (EPEO5). Also called: CORTICAL MYOCLONIC TREMOR WITH EPILEPSY, FAMILIAL, 5. Identifiers: Orphanet 86814, MedGen C3809374, MONDO:0014167, OMIM 615400.

Allele frequency attached by ClinVar (database versions not stated): gnomAD exomes 0.00003; TOPMed 0.00002; ExAC 0.00002.
gnomAD v4.1: 36 of 1,613,984 alleles (0.0022%); highest among the groups gnomAD compares: Admixed American, 0.0083%; no homozygotes.

Submission:

Labcorp Genetics (formerly Invitae), Labcorp
Classification: Uncertain significance for Epilepsy, familial adult myoclonic, 5. Last evaluated: 2021-09-03. Review status: criteria provided, single submitter. Criteria: Invitae Variant Classification Sherloc (09022015). Collection method: clinical testing. Allele origin: germline.
Comment: This sequence change replaces alanine with valine at codon 1030 of the CNTN2 protein (p.Ala1030Val). The alanine residue is weakly conserved and there is a small physicochemical difference between alanine and valine. This variant is present in population databases (rs771548059, ExAC 0.003%). This variant has not been reported in the literature in individuals affected with CNTN2-related conditions. Algorithms developed to predict the effect of missense changes on protein structure and function output the following: SIFT: "Tolerated"; PolyPhen-2: "Benign"; Align-GVGD: "Class C0". The valine amino acid residue is found in multiple mammalian species, which suggests that this missense change does not adversely affect protein function. In summary, the available evidence is currently insufficient to determine the role of this variant in disease. Therefore, it has been classified as a Variant of Uncertain Significance.

NM_005076.5(CNTN2):c.3089C>T (p.Ala1030Val)

Gene: CNTN2 (contactin 2; plus strand). Cytogenetic location: 1q32.1.
Variant type: single nucleotide variant.
Coding change: c.3089C>T on transcript NM_005076.5 (MANE Select); coding-DNA position 3089, C replaced by T.
Protein change: p.Ala1030Val; replaces alanine 1030 with valine.
Molecular consequence: missense variant. On other transcripts: non-coding transcript variant (1).
Genome position (GRCh38, 1-based): chr1:205,073,731, C>T. VCF-style: chr1-205073731-C-T. GRCh37 (hg19) VCF-style: chr1-205042859-C-T.
Other names: c.3089C>T, p.Ala1030Val (NM_001346083.2); short protein forms A1030V.
Identifiers: ClinVar variation 966675 (VCV000966675.4), dbSNP rs771548059, ClinGen allele CA1351876.